The following is an entry in ClinVar:

ClinVar aggregate classification (germline): Uncertain significance. Review status: criteria provided, multiple submitters, no conflicts (2 of 4 stars). 2 submissions from 2 submitters: Uncertain significance (2). Last evaluated 2026-01-19.

Conditions:
Inborn genetic diseases. Identifiers: MedGen C0950123, MeSH D030342.

Submissions (2):

Ambry Genetics
Classification: Uncertain significance for Inborn genetic diseases. Last evaluated: 2026-01-19. Review status: criteria provided, single submitter. Criteria: Ambry Variant Classification Scheme 2023. Collection method: clinical testing. Allele origin: germline.
Comment: The p.G514R variant (also known as c.1540G>C), located in coding exon 17 of the RTEL1 gene, results from a G to C substitution at nucleotide position 1540. The glycine at codon 514 is replaced by arginine, an amino acid with dissimilar properties. This amino acid position is conserved. In addition, this alteration is predicted to be deleterious by in silico analysis. Based on the available evidence, the clinical significance of this variant remains unclear.

Mayo Clinic Laboratories, Mayo Clinic
Classification: Uncertain significance. Last evaluated: 2023-01-03. Review status: criteria provided, single submitter. Criteria: ACMG Guidelines, 2015. Collection method: clinical testing. Allele origin: germline. Observed: 1 variant allele.
Comment: PM2_supporting

NM_001283009.2(RTEL1):c.1540G>C (p.Gly514Arg)

Genes: RTEL1 (regulator of telomere elongation helicase 1; plus strand), RTEL1-TNFRSF6B (RTEL1-TNFRSF6B readthrough (NMD candidate); plus strand). Cytogenetic location: 20q13.33.
Variant type: single nucleotide variant.
Coding change: c.1540G>C on transcript NM_001283009.2 (MANE Select); coding-DNA position 1540, G replaced by C.
Protein change: p.Gly514Arg; replaces glycine 514 with arginine.
Molecular consequence: missense variant. On other transcripts: non-coding transcript variant (1).
Genome position (GRCh38, 1-based): chr20:63,687,995, G>C. VCF-style: chr20-63687995-G-C. GRCh37 (hg19) VCF-style: chr20-62319348-G-C.
Other names: p.Gly538Arg; c.871G>C, p.Gly291Arg (NM_001283010.1); c.1540G>C, p.Gly514Arg (NM_016434.4); c.1612G>C, p.Gly538Arg (NM_032957.5); short protein forms G291R, G514R, G538R.
Identifiers: ClinVar variation 2683552 (VCV002683552.2), dbSNP rs2517116022, ClinGen allele CA409676744.